The following is an entry in ClinVar:

NM_001365480.1(CCDC88A):c.2528A>G (p.Gln843Arg)

Gene: CCDC88A (coiled-coil and HOOK domain protein 88A; minus strand). Cytogenetic location: 2p16.1.
Variant type: single nucleotide variant.
Coding change: c.2528A>G on transcript NM_001365480.1 (MANE Select); coding-DNA position 2528, A replaced by G.
Protein change: p.Gln843Arg; replaces glutamine 843 with arginine.
Molecular consequence: missense variant.
Genome position (GRCh38, 1-based): chr2:55,334,293, T>C on the plus strand (A>G on the coding strand, the complement: CCDC88A is on the minus strand). VCF-style: chr2-55334293-T-C. GRCh37 (hg19) VCF-style: chr2-55561429-T-C.
Other names: c.2528A>G, p.Gln843Arg (NM_001135597.2, NM_001254943.2, NM_018084.5); short protein forms Q843R.
Identifiers: ClinVar variation 2007983 (VCV002007983.4), dbSNP rs2544835319, ClinGen allele CA346898994.
Genomic context (GRCh38, chr2:55,334,293, plus strand): 5'-TCCAAATTTCCAATCTTCACATTATTTTCTTCTAATGTGGTATCTTTAATTTCTGCTTGT[T>C]GTCGGAGTCTCTTATTTTCCTTCTCCAATTGTTTCTTATCCTTTTCCAGTTGAGAAGTCT-3'
Protein context (NP_001352409.1, residues 833-853): QLEKENKRLR[Gln843Arg]QAEIKDTTLE

ClinVar aggregate classification (germline): Uncertain significance (1 of 4 stars; one submission).

Allele frequency attached by ClinVar (database versions not stated): gnomAD exomes below 0.00001.
gnomAD v4.1: 1 of 1,456,996 alleles (0.000069%); highest among the groups gnomAD compares: Non-Finnish European, 0.00009%; no homozygotes.

Submission:

Labcorp Genetics (formerly Invitae), Labcorp
Classification: Uncertain significance. Last evaluated: 2022-06-18. Review status: criteria provided, single submitter. Criteria: Invitae Variant Classification Sherloc (09022015). Collection method: clinical testing. Allele origin: germline.
Comment: In summary, the available evidence is currently insufficient to determine the role of this variant in disease. Therefore, it has been classified as a Variant of Uncertain Significance. Algorithms developed to predict the effect of missense changes on protein structure and function are either unavailable or do not agree on the potential impact of this missense change (SIFT: "Deleterious"; PolyPhen-2: "Possibly Damaging"; Align-GVGD: "Class C0"). This variant has not been reported in the literature in individuals affected with CCDC88A-related conditions. This variant is not present in population databases (gnomAD no frequency). This sequence change replaces glutamine, which is neutral and polar, with arginine, which is basic and polar, at codon 843 of the CCDC88A protein (p.Gln843Arg).